The following is an entry in ClinVar:

NM_000452.3(SLC10A2):c.866T>A (p.Phe289Tyr)

Gene: SLC10A2 (solute carrier family 10 member 2; minus strand). Cytogenetic location: 13q33.1.
Variant type: single nucleotide variant.
Coding change: c.866T>A on transcript NM_000452.3 (MANE Select); coding-DNA position 866, T replaced by A.
Protein change: p.Phe289Tyr; replaces phenylalanine 289 with tyrosine.
Molecular consequence: missense variant.
Genome position (GRCh38, 1-based): chr13:103,049,342, A>T on the plus strand (T>A on the coding strand, the complement: SLC10A2 is on the minus strand). VCF-style: chr13-103049342-A-T. GRCh37 (hg19) VCF-style: chr13-103701692-A-T.
Other names: short protein forms F289Y.
Identifiers: ClinVar variation 3678765 (VCV003678765.2).

ClinVar aggregate classification (germline): Uncertain significance (1 of 4 stars; one submission).

Submission:

Labcorp Genetics (formerly Invitae), Labcorp
Classification: Uncertain significance. Last evaluated: 2024-02-23. Review status: criteria provided, single submitter. Criteria: Invitae Variant Classification Sherloc (09022015). Collection method: clinical testing. Allele origin: germline.
Comment: This sequence change replaces phenylalanine, which is neutral and non-polar, with tyrosine, which is neutral and polar, at codon 289 of the SLC10A2 protein (p.Phe289Tyr). This variant is present in population databases (rs767868689, gnomAD 0.0009%). This variant has not been reported in the literature in individuals affected with SLC10A2-related conditions. Advanced modeling of protein sequence and biophysical properties (such as structural, functional, and spatial information, amino acid conservation, physicochemical variation, residue mobility, and thermodynamic stability) performed at Invitae indicates that this missense variant is not expected to disrupt SLC10A2 protein function with a negative predictive value of 80%. In summary, the available evidence is currently insufficient to determine the role of this variant in disease. Therefore, it has been classified as a Variant of Uncertain Significance.